The following is an entry in ClinVar:

NC_000003.12:g.169764852C>T

Genes: TERC (telomerase RNA component; minus strand), LOC110806306 (telomerase RNA component (TERC) promoter; plus strand). Cytogenetic location: 3q26.2.
Variant type: single nucleotide variant.
Genome position: GRCh38 VCF-style: chr3-169764852-C-T. GRCh37 (hg19) VCF-style: chr3-169482640-C-T.
Identifiers: ClinVar variation 1350374 (VCV001350374.6), dbSNP rs1200725441, ClinGen allele CA436715406.
Genomic context (GRCh38, chr3:169,764,852, plus strand): 5'-CCGGGCCGACCGCGGCCTCCAGGCGGGGTTCGGGGGCTGGGCAGGCGACCCGCCGCAGGT[C>T]CCCGGGAGGGGCGAACGGGCCAGCAGCTGACATTTTTTGTTTGCTCTAGAATGAACGGTG-3'

ClinVar aggregate classification (germline): Uncertain significance (1 of 4 stars; one submission).

Conditions:
Dyskeratosis congenita, autosomal dominant 1 (DKCA1). Also called: Dyskeratosis congenita Scoggins type. Identifiers: Orphanet 1775, MedGen C4551974, MONDO:0007485, OMIM 127550. Inheritance: Variable.

Allele frequency attached by ClinVar (database versions not stated): gnomAD exomes below 0.00001.
gnomAD v4.1: 1 of 749,676 alleles (0.00013%); highest among the groups gnomAD compares: Non-Finnish European, 0.00024%; no homozygotes.

Submission:

Labcorp Genetics (formerly Invitae), Labcorp
Classification: Uncertain significance for Dyskeratosis congenita, autosomal dominant 1. Last evaluated: 2021-07-14. Review status: criteria provided, single submitter. Criteria: Invitae Variant Classification Sherloc (09022015). Collection method: clinical testing. Allele origin: germline.
Comment: This variant occurs in the TERC gene, which encodes an RNA molecule that does not result in a protein product. This variant is not present in population databases (ExAC no frequency). This variant has not been reported in the literature in individuals affected with TERC-related conditions. In summary, the available evidence is currently insufficient to determine the role of this variant in disease. Therefore, it has been classified as a Variant of Uncertain Significance. This variant is located within the hypervariable region that is not conserved in the TERC RNA component (PMID: 10721988, 21844345). The functional significance of this region is not well understood.

Literature cited by the submitters: PubMed 10721988; PubMed 21844345.